The following is an entry in ClinVar:

ClinVar aggregate classification (germline): Uncertain significance (1 of 4 stars; one submission).

Conditions:
Left ventricular noncompaction 1 (LVNC1). Also called: LEFT VENTRICULAR NONCOMPACTION 1 WITH OR WITHOUT CONGENITAL HEART DEFECTS. Identifiers: Orphanet 54260, MedGen C1858725, MONDO:0011403, OMIM 604169.

Submission:

Labcorp Genetics (formerly Invitae), Labcorp
Classification: Uncertain significance for Left ventricular noncompaction 1. Last evaluated: 2025-08-30. Review status: criteria provided, single submitter. Criteria: Invitae Variant Classification Sherloc (09022015). Collection method: clinical testing. Allele origin: germline.
Comment: This sequence change replaces isoleucine, which is neutral and non-polar, with methionine, which is neutral and non-polar, at codon 127 of the DTNA protein (p.Ile127Met). This variant is not present in population databases (gnomAD no frequency). This variant has not been reported in the literature in individuals affected with DTNA-related conditions. ClinVar contains an entry for this variant (Variation ID: 1447661). Invitae Evidence Modeling of protein sequence and biophysical properties (such as structural, functional, and spatial information, amino acid conservation, physicochemical variation, residue mobility, and thermodynamic stability) indicates that this missense variant is not expected to disrupt DTNA protein function with a negative predictive value of 80%. In summary, the available evidence is currently insufficient to determine the role of this variant in disease. Therefore, it has been classified as a Variant of Uncertain Significance.

NM_001386795.1(DTNA):c.381T>G (p.Ile127Met)

Gene: DTNA (dystrobrevin alpha; plus strand). Cytogenetic location: 18q12.1.
Variant type: single nucleotide variant.
Coding change: c.381T>G on transcript NM_001386795.1 (MANE Select); coding-DNA position 381, T replaced by G.
Protein change: p.Ile127Met; replaces isoleucine 127 with methionine.
Molecular consequence: missense variant.
Genome position (GRCh38, 1-based): chr18:34,806,237, T>G. VCF-style: chr18-34806237-T-G. GRCh37 (hg19) VCF-style: chr18-32386201-T-G.
Other names: c.381T>G, p.Ile127Met (NM_001128175.2, NM_001198938.2, NM_001198939.2 and 35 more transcripts); short protein forms I127M.
Identifiers: ClinVar variation 1447661 (VCV001447661.6), dbSNP rs958850248, ClinGen allele CA402275265.